The following is an entry in ClinVar:

ClinVar aggregate classification (germline): Uncertain significance (1 of 4 stars; one submission).

Conditions:
Intellectual developmental disorder with microcephaly and with or without ocular malformations or hypogonadotropic hypogonadism. Also called: Intellectual disability, autosomal dominant 27; Coffin-Siris Syndrome 9. Identifiers: Orphanet 1465, MedGen C4014528, MONDO:0014376, OMIM 615866.

gnomAD v4.1: 7 of 1,576,786 alleles (0.00044%); highest among the groups gnomAD compares: Middle Eastern, 0.017%; no homozygotes.

Submission:

Baylor Genetics
Classification: Uncertain significance for Intellectual developmental disorder with microcephaly and with or without ocular malformations or hypogonadotropic hypogonadism. Last evaluated: 2018-06-11. Review status: criteria provided, single submitter. Criteria: ACMG Guidelines, 2015. Collection method: clinical testing. Allele origin: paternal. Affected: yes.
Comment: This variant was determined to be of uncertain significance according to ACMG Guidelines, 2015 [PMID:25741868].

NM_003108.4(SOX11):c.787C>A (p.Pro263Thr)

Gene: SOX11 (SRY-box transcription factor 11; plus strand). Cytogenetic location: 2p25.2.
Variant type: single nucleotide variant.
Coding change: c.787C>A on transcript NM_003108.4 (MANE Select); coding-DNA position 787, C replaced by A.
Protein change: p.Pro263Thr; replaces proline 263 with threonine.
Molecular consequence: missense variant.
Genome position (GRCh38, 1-based): chr2:5,693,508, C>A. VCF-style: chr2-5693508-C-A. GRCh37 (hg19) VCF-style: chr2-5833640-C-A.
Other names: short protein forms P263T.
Identifiers: ClinVar variation 1032874 (VCV001032874.1), dbSNP rs745675837, ClinGen allele CA1517923.
Genomic context (GRCh38, chr2:5,693,508, plus strand): 5'-CCGGACGAGGAGGACGAGGAACCACCGCACCAGCAGCTCCTGCAGCCGCCGGGGCAGCAG[C>A]CGTCGCAGCTGCTGAGACGCTACAACGTCGCCAAAGTGCCCGCCAGCCCTACGCTGAGCA-3'
Protein context (NP_003099.1, residues 253-273): QQLLQPPGQQ[Pro263Thr]SQLLRRYNVA